The following is an entry in ClinVar:

ClinVar aggregate classification (germline): Likely benign (1 of 4 stars; one submission).

Allele frequency attached by ClinVar (database versions not stated): 1000 Genomes Project 30x 0.00109; 1000 Genomes Project 0.00140; TOPMed 0.00332; gnomAD 0.00335; ESP Exome Variant Server 0.00409; ExAC 0.00544.
gnomAD v4.1: 7,395 of 1,595,324 alleles (0.46%); highest among the groups gnomAD compares: Middle Eastern, 0.66%; 25 homozygotes.

Submission:

CeGaT Center for Human Genetics Tuebingen
Classification: Likely benign. Last evaluated: 2022-06-01. Review status: criteria provided, single submitter. Criteria: CeGaT Center For Human Genetics Tuebingen Variant Classification Criteria Version 2. Collection method: clinical testing. Allele origin: germline. Affected: yes. Observed: 1 variant allele.
Comment: PAICS: BP4, BP7

NM_001079524.2(PAICS):c.648C>G (p.Leu216=)

Gene: PAICS (phosphoribosylaminoimidazole carboxylase and phosphoribosylaminoimidazolesuccinocarboxamide synthase; plus strand). Cytogenetic location: 4q12.
Variant type: single nucleotide variant.
Coding change: c.648C>G on transcript NM_001079524.2 (MANE Select); coding-DNA position 648, C replaced by G.
Protein change: p.Leu216=; no amino-acid change (leucine 216 retained).
Molecular consequence: synonymous variant.
Genome position (GRCh38, 1-based): chr4:56,448,784, C>G. VCF-style: chr4-56448784-C-G. GRCh37 (hg19) VCF-style: chr4-57314950-C-G.
Other names: c.669C>G, p.Leu223= (NM_001079525.2); c.1815C>G, p.Leu605= (NM_001392010.1); c.1731C>G, p.Leu577= (NM_001392011.1); c.1275C>G, p.Leu425= (NM_001392012.1); c.648C>G, p.Leu216= (NM_006452.4).
Identifiers: ClinVar variation 2654769 (VCV002654769.24), dbSNP rs190379455, ClinGen allele CA2930766.